The following is an entry in ClinVar:

ClinVar aggregate classification (germline): Uncertain significance. Review status: criteria provided, multiple submitters, no conflicts (2 of 4 stars). 4 submissions from 4 submitters: Uncertain significance (4). Last evaluated 2025-10-31.

Conditions:
Capillary malformation-arteriovenous malformation syndrome. Also called: Capillary malformation-arteriovenous malformation. Identifiers: Orphanet 137667, MedGen C1842180, MONDO:0012016.
Cardiovascular phenotype. Identifiers: MedGen CN230736.

gnomAD v4.1: 2 of 1,614,130 alleles (0.00012%); highest among the groups gnomAD compares: Non-Finnish European, 0.000085%; no homozygotes.

Submissions (4):

Dasa
Classification: Uncertain significance. Last evaluated: 2025-10-31. Review status: criteria provided, single submitter. Criteria: DASA Assertion Criteria. Collection method: clinical testing. Allele origin: germline.
Comment: NM_002890.3(RASA1):c.434C>A (p.Pro145His) is a missense variant that results in the substitution of proline with histidine. This variant is rare in population databases. The currently available literature and clinical evidence are not sufficient to establish a definitive association between this variant and the reported condition. Therefore, this variant is classified as a variant of uncertain significance.

Labcorp Genetics (formerly Invitae), Labcorp
Classification: Uncertain significance for Capillary malformation-arteriovenous malformation syndrome. Last evaluated: 2024-12-04. Review status: criteria provided, single submitter. Criteria: Invitae Variant Classification Sherloc (09022015). Collection method: clinical testing. Allele origin: germline.
Comment: This sequence change replaces proline, which is neutral and non-polar, with histidine, which is basic and polar, at codon 145 of the RASA1 protein (p.Pro145His). This variant is not present in population databases (gnomAD no frequency). This variant has not been reported in the literature in individuals affected with RASA1-related conditions. ClinVar contains an entry for this variant (Variation ID: 1739916). An algorithm developed to predict the effect of missense changes on protein structure and function (PolyPhen-2) suggests that this variant is likely to be disruptive. In summary, the available evidence is currently insufficient to determine the role of this variant in disease. Therefore, it has been classified as a Variant of Uncertain Significance.

ARUP Laboratories, Molecular Genetics and Genomics, ARUP Laboratories
Classification: Uncertain significance. Last evaluated: 2024-04-19. Review status: criteria provided, single submitter. Criteria: ARUP Molecular Germline Variant Investigation Process 2024. Collection method: clinical testing. Allele origin: germline.
Comment: The RASA1 c.434C>A; p.Pro145His variant, to our knowledge, is not reported in the medical literature but is reported in ClinVar (Variation ID: 1739916). This variant is absent from the Genome Aggregation Database (v2.1.1), indicating it is not a common polymorphism. Computational analyses are uncertain whether this variant is neutral or deleterious (REVEL: 0.172). Due to limited information, the clinical significance of this variant is uncertain at this time.

Ambry Genetics
Classification: Uncertain significance for Cardiovascular phenotype. Last evaluated: 2021-08-07. Review status: criteria provided, single submitter. Criteria: Ambry Variant Classification Scheme 2023. Collection method: clinical testing. Allele origin: germline.
Comment: The p.P145H variant (also known as c.434C>A), located in coding exon 1 of the RASA1 gene, results from a C to A substitution at nucleotide position 434. The proline at codon 145 is replaced by histidine, an amino acid with similar properties. This amino acid position is conserved. In addition, this alteration is predicted to be tolerated by in silico analysis. Since supporting evidence is limited at this time, the clinical significance of this alteration remains unclear.

NM_002890.3(RASA1):c.434C>A (p.Pro145His)

Gene: RASA1 (RAS p21 protein activator 1; plus strand). Cytogenetic location: 5q14.3.
Variant type: single nucleotide variant.
Coding change: c.434C>A on transcript NM_002890.3 (MANE Select); coding-DNA position 434, C replaced by A.
Protein change: p.Pro145His; replaces proline 145 with histidine.
Molecular consequence: missense variant.
Genome position (GRCh38, 1-based): chr5:87,268,885, C>A. VCF-style: chr5-87268885-C-A. GRCh37 (hg19) VCF-style: chr5-86564702-C-A.
Other names: short protein forms P145H.
Identifiers: ClinVar variation 1739916 (VCV001739916.7), dbSNP rs1310834014, ClinGen allele CA360417380.